The following is an entry in ClinVar:

NM_001128840.3(CACNA1D):c.3884A>G (p.Glu1295Gly)

Gene: CACNA1D (calcium voltage-gated channel subunit alpha1 D; plus strand). Cytogenetic location: 3p21.1.
Variant type: single nucleotide variant.
Coding change: c.3884A>G on transcript NM_001128840.3 (MANE Select); coding-DNA position 3884, A replaced by G.
Protein change: p.Glu1295Gly; replaces glutamic acid 1295 with glycine.
Molecular consequence: missense variant. On other transcripts: intron variant (1).
Genome position (GRCh38, 1-based): chr3:53,769,986, A>G. VCF-style: chr3-53769986-A-G. GRCh37 (hg19) VCF-style: chr3-53804013-A-G.
Other names: c.3944A>G, p.Glu1315Gly (NM_000720.4); c.3871-438A>G (NM_001128839.3); short protein forms E1315G, E1295G.
Identifiers: ClinVar variation 2763260 (VCV002763260.3), dbSNP rs2474182824, ClinGen allele CA353257236.
Genomic context (GRCh38, chr3:53,769,986, plus strand): 5'-CTCCTTCCTGGTTCATTAATCCATTTTCAATCTTTGATTTCTTAAAGCCAACTGAAAGTG[A>G]AAATGTCCCTGTCCCAACTGCTACACCTGGGGTAAGATCAGTGACTAGTCCCCAGGGGCT-3'
Protein context (NP_001122312.1, residues 1285-1305): ALSEADPTES[Glu1295Gly]NVPVPTATPG

ClinVar aggregate classification (germline): Uncertain significance (1 of 4 stars; one submission).

Submission:

Labcorp Genetics (formerly Invitae), Labcorp
Classification: Uncertain significance. Last evaluated: 2023-09-25. Review status: criteria provided, single submitter. Criteria: Invitae Variant Classification Sherloc (09022015). Collection method: clinical testing. Allele origin: germline.
Comment: This sequence change replaces glutamic acid, which is acidic and polar, with glycine, which is neutral and non-polar, at codon 1315 of the CACNA1D protein (p.Glu1315Gly). This variant is not present in population databases (gnomAD no frequency). This variant has not been reported in the literature in individuals affected with CACNA1D-related conditions. An algorithm developed to predict the effect of missense changes on protein structure and function (PolyPhen-2) suggests that this variant is likely to be tolerated. In summary, the available evidence is currently insufficient to determine the role of this variant in disease. Therefore, it has been classified as a Variant of Uncertain Significance.